The following is an entry in ClinVar:

ClinVar aggregate classification (germline): Likely pathogenic (1 of 4 stars; one submission).

Submission:

GeneDx
Classification: Likely pathogenic. Last evaluated: 2014-11-19. Review status: criteria provided, single submitter. Criteria: GeneDx Variant Classification (06012015). Collection method: clinical testing. Allele origin: germline. Affected: yes.
Comment: A novel c.932 G>A (R311K) variant that is likely pathogenic was identified in the TGFB2 gene. It has not been published as a pathogenic variant, nor has it been reported as a benign polymorphism to our knowledge. The c.932 G>A variant in the TGFB2 gene results in a substitution in the most 3' codon of exon 5. The c.932 G>A variant was not observed in approximately 6500 individuals of European and African American ancestry in an external variant database, indicating it is not a common benign variant in these populations. In silico analysis with three different splice site prediction algorithms suggest that this variant destroys the natural splice donor site in intron 5 of the TGFB2 gene. This variant is predicted to lead to either an abnormal message that is subject to nonsense-mediated mRNA decay, or to an abnormal protein product if the message is used for protein translation. Other loss-of-function variants have been reported in HGMD in association with thoracic aortic aneurysm (Stenson et al., 2014). However, in the absence of functional mRNA studies, the physiological consequence of the c.932 G>A variant cannot be precisely determined. Therefore, this is a strong candidate for a pathogenic variant, however the possibility that it is a benign variant cannot be excluded.

NM_003238.6(TGFB2):c.932G>A (p.Arg311Lys)

Gene: TGFB2 (transforming growth factor beta 2; plus strand). Cytogenetic location: 1q41.
Variant type: single nucleotide variant.
Coding change: c.932G>A on transcript NM_003238.6 (MANE Select); coding-DNA position 932, G replaced by A.
Protein change: p.Arg311Lys; replaces arginine 311 with lysine.
Molecular consequence: missense variant. On other transcripts: non-coding transcript variant (2).
Genome position (GRCh38, 1-based): chr1:218,436,147, G>A. VCF-style: chr1-218436147-G-A. GRCh37 (hg19) VCF-style: chr1-218609489-G-A.
Other names: c.1016G>A, p.Arg339Lys (NM_001135599.4); short protein forms R311K, R339K.
Identifiers: ClinVar variation 418514 (VCV000418514.2), dbSNP rs1064793278, ClinGen allele CA16617065.